The following is an entry in ClinVar:

ClinVar aggregate classification (germline): Likely benign (1 of 4 stars; one submission).

Allele frequency attached by ClinVar (database versions not stated): gnomAD exomes below 0.00001.
gnomAD v4.1: 1 of 1,613,038 alleles (0.000062%); highest among the groups gnomAD compares: Non-Finnish European, 0.000085%; no homozygotes.

Submission:

CeGaT Center for Human Genetics Tuebingen
Classification: Likely benign. Last evaluated: 2023-11-01. Review status: criteria provided, single submitter. Criteria: CeGaT Center For Human Genetics Tuebingen Variant Classification Criteria Version 2. Collection method: clinical testing. Allele origin: germline. Affected: yes. Observed: 1 variant allele.
Comment: WASHC5: PM2:Supporting, BP4, BP7

NM_014846.4(WASHC5):c.1476T>C (p.Thr492=)

Gene: WASHC5 (WASH complex subunit 5; minus strand). Cytogenetic location: 8q24.13.
Variant type: single nucleotide variant.
Coding change: c.1476T>C on transcript NM_014846.4 (MANE Select); coding-DNA position 1476, T replaced by C.
Protein change: p.Thr492=; no amino-acid change (threonine 492 retained).
Molecular consequence: synonymous variant.
Genome position (GRCh38, 1-based): chr8:125,061,127, A>G on the plus strand (T>C on the coding strand, the complement: WASHC5 is on the minus strand). VCF-style: chr8-125061127-A-G. GRCh37 (hg19) VCF-style: chr8-126073369-A-G.
Other names: c.1032T>C, p.Thr344= (NM_001330609.2).
Identifiers: ClinVar variation 2673159 (VCV002673159.23), dbSNP rs2537345680, ClinGen allele CA462770468.